The following is an entry in ClinVar:

NM_000049.4(ASPA):c.291del (p.His98fs)

Genes: ASPA (aspartoacylase; plus strand), SPATA22 (spermatogenesis associated 22; minus strand). Cytogenetic location: 17p13.2.
Variant type: Deletion.
Coding change: c.291del on transcript NM_000049.4 (MANE Select); coding-DNA position 291, one base deleted (T; older notation c.291delT).
Protein change: p.His98fs; shifts the reading frame from histidine 98.
Molecular consequence: frameshift variant. On other transcripts: intron variant (2).
Genome position (GRCh38, 1-based): chr17:3,481,657, T deleted. VCF-style (leftmost placement, unchanged base first): chr17-3481656-AT-A. GRCh37 (hg19) VCF-style: chr17-3384950-AT-A.
Other names: c.291del, p.His98fs (NM_001128085.1); c.-73-12259del (NM_001321336.2, NM_001321337.2); short protein forms H98fs.
Identifiers: ClinVar variation 2000932 (VCV002000932.5), dbSNP rs2543619403, ClinGen allele CA2580092486.
Genomic context (GRCh38, chr17:3,481,656, plus strand): 5'-ATAACAGCAAAAAAATGTCAGAAGATTTGCCATATGAAGTGAGAAGGGCTCAAGAAATAA[AT>A]CATTTATTTGGTCCAAAAGACAGTGAAGATTCCTATGACATTATTTTTGACCTTCACAAC-3'

ClinVar aggregate classification (germline): Pathogenic. Review status: criteria provided, multiple submitters, no conflicts (2 of 4 stars). 2 submissions from 2 submitters: Pathogenic (2). Last evaluated 2024-06-27.

Conditions:
Spongy degeneration of central nervous system. Also called: ACY2 DEFICIENCY; AMINOACYLASE 2 DEFICIENCY; ASP DEFICIENCY; ASPA DEFICIENCY; ASPARTOACYLASE DEFICIENCY; CANAVAN-VAN BOGAERT-BERTRAND DISEASE. Identifiers: Orphanet 141, MedGen C0206307, MONDO:0010079, OMIM 271900.

Submissions (2):

Myriad Genetics, Inc.
Classification: Pathogenic for Spongy degeneration of central nervous system. Last evaluated: 2024-06-27. Review status: criteria provided, single submitter. Criteria: Myriad Autosomal Dominant, Autosomal Recessive and X-Linked Classification Criteria (2023). Collection method: clinical testing. Allele origin: unknown.
Comment: NM_000049.2(ASPA):c.291delT(H98Ifs*39) is expected to be pathogenic in the context of Canavan disease. This variant is predicted to lead to an abnormal or absent protein product due to the creation of a premature termination codon in ASPA, a gene where loss-of-function variants are known to be pathogenic. Please note: this variant was assessed in the context of healthy population screening.

Labcorp Genetics (formerly Invitae), Labcorp
Classification: Pathogenic for Spongy degeneration of central nervous system. Last evaluated: 2022-05-30. Review status: criteria provided, single submitter. Criteria: Invitae Variant Classification Sherloc (09022015). Collection method: clinical testing. Allele origin: germline.
Comment: This sequence change creates a premature translational stop signal (p.His98Ilefs*39) in the ASPA gene. It is expected to result in an absent or disrupted protein product. Loss-of-function variants in ASPA are known to be pathogenic (PMID: 12638939). This variant is not present in population databases (gnomAD no frequency). This variant has not been reported in the literature in individuals affected with ASPA-related conditions. For these reasons, this variant has been classified as Pathogenic.

Literature cited by the submitters: PubMed 12638939 (cited by Labcorp Genetics (formerly Invitae), Labcorp).